The following is an entry in ClinVar:

ClinVar aggregate classification (germline): Uncertain significance (1 of 4 stars; one submission).

Conditions:
Epileptic encephalopathy. Identifiers: MedGen C0543888, HP:0200134.

Submission:

Labcorp Genetics (formerly Invitae), Labcorp
Classification: Uncertain significance for Epileptic encephalopathy. Last evaluated: 2020-10-20. Review status: criteria provided, single submitter. Criteria: Invitae Variant Classification Sherloc (09022015). Collection method: clinical testing. Allele origin: germline.
Comment: This sequence change replaces arginine with serine at codon 1711 of the FASN protein (p.Arg1711Ser). The arginine residue is highly conserved and there is a moderate physicochemical difference between arginine and serine. In summary, the available evidence is currently insufficient to determine the role of this variant in disease. Therefore, it has been classified as a Variant of Uncertain Significance. Algorithms developed to predict the effect of missense changes on protein structure and function are either unavailable or do not agree on the potential impact of this missense change (SIFT: "Tolerated"; PolyPhen-2: "Probably Damaging"; Align-GVGD: "Class C0"). This variant has not been reported in the literature in individuals with FASN-related conditions. This variant is not present in population databases (ExAC no frequency).

NM_004104.5(FASN):c.5133G>T (p.Arg1711Ser)

Gene: FASN (fatty acid synthase; minus strand). Cytogenetic location: 17q25.3.
Variant type: single nucleotide variant.
Coding change: c.5133G>T on transcript NM_004104.5 (MANE Select); coding-DNA position 5133, G replaced by T.
Protein change: p.Arg1711Ser; replaces arginine 1711 with serine.
Molecular consequence: missense variant.
Genome position (GRCh38, 1-based): chr17:82,083,857, C>A on the plus strand (G>T on the coding strand, the complement: FASN is on the minus strand). VCF-style: chr17-82083857-C-A. GRCh37 (hg19) VCF-style: chr17-80041733-C-A.
Other names: short protein forms R1711S.
Identifiers: ClinVar variation 1005731 (VCV001005731.8), dbSNP rs2034037005, ClinGen allele CA401540643.
Genomic context (GRCh38, chr17:82,083,857, plus strand): 5'-ATGCTGCTCGAAGGATGTGTCCCGGGAGTTGGCGAAGCTGGTGCTGTCGAGCTGGGGGAA[C>A]CTGGCCTGGAGGTACGCCCGCTTCTCAGCCGACCCTGGTGAAGAGAGGAAGCGCGGCTGG-3'
Protein context (NP_004095.4, residues 1701-1721): SAEKRAYLQA[Arg1711Ser]FPQLDSTSFA